The following is an entry in ClinVar:

ClinVar aggregate classification (germline): Likely pathogenic (1 of 4 stars; one submission).

Conditions:
Hereditary spastic paraplegia 4. Also called: Spastic paraplegia 4, autosomal dominant; Spastic Paraplegia 4; Familial spastic paraplegia autosomal dominant 2. Identifiers: Orphanet 100985, MedGen C1866855, MONDO:0008438, OMIM 182601.

Submission:

Molecular Genetics, Royal Melbourne Hospital
Classification: Likely pathogenic for Hereditary spastic paraplegia 4. Last evaluated: 2023-03-30. Review status: criteria provided, single submitter. Criteria: ACMG Guidelines, 2015. Collection method: clinical testing. Allele origin: germline. Affected: yes.
Comment: This sequence change in SPAST is a frameshift variant that may cause a premature stop codon, p.(Asn579Lysfs*7), that is predicted to escape nonsense mediated decay and remove <10% of the protein, however it is a truncation of a functionally important region (AAA domain amino acids 342-599) in a gene where loss-of-function is an established disease mechanism (PMID: 32979422; ClinGen). This variant is absent from gnomAD v2.1 and v3.1. To our knowledge, this variant has not been reported in the literature in any individuals with SPAST-related disease. Based on the classification scheme RMH Modified ACMG Guidelines v1.5.1, this variant is classified as LIKELY PATHOGENIC. Following criteria are met: PVS1_Strong, PS4_Supporting, PM2_Supporting.

Literature cited by the submitters: PubMed 32979422.

NM_014946.4(SPAST):c.1733_1736dup (p.Asn579fs)

Gene: SPAST (spastin; plus strand). Cytogenetic location: 2p22.3.
Variant type: Duplication.
Coding change: c.1733_1736dup on transcript NM_014946.4 (MANE Select); coding-DNA positions 1733 to 1736, 4 bases duplicated (GAAA; older notation c.1733_1736dupGAAA).
Protein change: p.Asn579fs; shifts the reading frame from asparagine 579.
Molecular consequence: frameshift variant. On other transcripts: 3 prime UTR variant (1).
Genome position (GRCh38, 1-based): chr2:32,154,378-32,154,381, GAAA duplicated; duplicating any 4 consecutive bases within chr2:32,154,377-32,154,381 gives the same sequence; the c. name uses the placement nearest the transcript's 3' end. VCF-style (leftmost placement, unchanged base first): chr2-32154376-G-GAGAA. GRCh37 (hg19) VCF-style: chr2-32379445-G-GAGAA.
Other names: c.1733_1736dupGAAA (NM_014946.4); c.1730_1733dup, p.Asn578fs (NM_001363823.2); c.1634_1637dup, p.Asn546fs (NM_001363875.2); c.*6_*9dup (NM_001377959.1); c.1637_1640dup, p.Asn547fs (NM_199436.2); short protein forms N546fs, N547fs, N578fs, N579fs.
Identifiers: ClinVar variation 3068637 (VCV003068637.1), dbSNP rs2465946207, ClinGen allele CA2573103006.